The following is an entry in ClinVar:

NM_182961.4(SYNE1):c.23138G>A (p.Arg7713His)

Gene: SYNE1 (spectrin repeat containing nuclear envelope protein 1; minus strand). Cytogenetic location: 6q25.2.
Variant type: single nucleotide variant.
Coding change: c.23138G>A on transcript NM_182961.4 (MANE Select); coding-DNA position 23138, G replaced by A.
Protein change: p.Arg7713His; replaces arginine 7713 with histidine.
Molecular consequence: missense variant.
Genome position (GRCh38, 1-based): chr6:152,201,831, C>T on the plus strand (G>A on the coding strand, the complement: SYNE1 is on the minus strand). VCF-style: chr6-152201831-C-T. GRCh37 (hg19) VCF-style: chr6-152522966-C-T.
Other names: c.22925G>A, p.Arg7642His (NM_033071.5); short protein forms R7713H, R7642H.
Identifiers: ClinVar variation 288942 (VCV000288942.19), dbSNP rs750911961, ClinGen allele CA4053689.
Genomic context (GRCh38, chr6:152,201,831, plus strand): 5'-CATTCCAGCAGAGGCACACAGGTGACGGTGAAAATCTCAGTTCAGTAATTTACCTTGCAA[C>T]GCATTTGTTCTGCATGGAGCTCTTCATGGTGATCCGGGAGAGACTGCGAAAGCTTCTTTT-3'
Protein context (NP_892006.3, residues 7703-7723): HHEELHAEQM[Arg7713His]CKELENAVGS

ClinVar aggregate classification (germline): Uncertain significance. Review status: criteria provided, multiple submitters, no conflicts (2 of 4 stars). 6 submissions from 5 submitters: Uncertain significance (6). Last evaluated 2024-10-14.

Conditions:
Autosomal recessive ataxia, Beauce type. Also called: Spinocerebellar ataxia, autosomal recessive 8; ATAXIA, RECESSIVE, OF BEAUCE; SYNE1 Deficiency; SYNE1-Related Autosomal Recessive Cerebellar Ataxia. Identifiers: Orphanet 88644, MedGen C1853116, MONDO:0012549, OMIM 610743.
Emery-Dreifuss muscular dystrophy 4, autosomal dominant (EDMD4). Also called: EMERY-DREIFUSS MUSCULAR DYSTROPHY 4 WITH VARIABLE FEATURES. Identifiers: Orphanet 261, MedGen C2751807, MONDO:0013071, OMIM 612998.

Allele frequency attached by ClinVar (database versions not stated): gnomAD 0.00001 and 0.00003; gnomAD exomes 0.00003 and 0.00006; TOPMed 0.00004; ExAC 0.00005.
gnomAD v4.1: 49 of 1,613,906 alleles (0.003%); highest among the groups gnomAD compares: South Asian, 0.023%; no homozygotes.

Submissions (6):

Labcorp Genetics (formerly Invitae), Labcorp
Classification: Uncertain significance for Emery-Dreifuss muscular dystrophy 4, autosomal dominant; Autosomal recessive ataxia, Beauce type. Last evaluated: 2024-10-14. Review status: criteria provided, single submitter. Criteria: Invitae Variant Classification Sherloc (09022015). Collection method: clinical testing. Allele origin: germline.
Comment: This sequence change replaces arginine, which is basic and polar, with histidine, which is basic and polar, at codon 7642 of the SYNE1 protein (p.Arg7642His). This variant is present in population databases (rs750911961, gnomAD 0.02%). This variant has not been reported in the literature in individuals affected with SYNE1-related conditions. ClinVar contains an entry for this variant (Variation ID: 288942). An algorithm developed to predict the effect of missense changes on protein structure and function (PolyPhen-2) suggests that this variant is likely to be disruptive. In summary, the available evidence is currently insufficient to determine the role of this variant in disease. Therefore, it has been classified as a Variant of Uncertain Significance.

Revvity Omics, Revvity
Classification: Uncertain significance. Last evaluated: 2023-06-14. Review status: criteria provided, single submitter. Criteria: ACMG Guidelines, 2015. Collection method: clinical testing. Allele origin: germline.

GeneDx
Classification: Uncertain significance. Last evaluated: 2019-05-08. Review status: criteria provided, single submitter. Criteria: GeneDx Variant Classification Process June 2021. Collection method: clinical testing. Allele origin: germline. Affected: yes.
Comment: In silico analysis, which includes protein predictors and evolutionary conservation, supports a deleterious effect; Has not been previously published as pathogenic or benign to our knowledge

Illumina Laboratory Services, Illumina
Classification: Uncertain significance for Emery-Dreifuss muscular dystrophy 4, autosomal dominant. Last evaluated: 2018-01-13. Review status: criteria provided, single submitter. Criteria: ICSL Variant Classification Criteria 13 December 2019. Collection method: clinical testing. Allele origin: germline.

Illumina Laboratory Services, Illumina
Classification: Uncertain significance for Autosomal recessive ataxia, Beauce type. Last evaluated: 2018-01-13. Review status: criteria provided, single submitter. Criteria: ICSL Variant Classification Criteria 13 December 2019. Collection method: clinical testing. Allele origin: germline.

Eurofins Ntd Llc (ga)
Classification: Uncertain significance. Last evaluated: 2016-06-23. Review status: criteria provided, single submitter. Criteria: EGL Classification Definitions 2015. Collection method: clinical testing. Allele origin: germline. Observed: 1 variant allele, 1 heterozygote.